The following is an entry in ClinVar:

NM_004715.5(CTDP1):c.2479G>C (p.Glu827Gln)

Gene: CTDP1 (CTD phosphatase subunit 1; plus strand). Cytogenetic location: 18q23.
Variant type: single nucleotide variant.
Coding change: c.2479G>C on transcript NM_004715.5 (MANE Select); coding-DNA position 2479, G replaced by C.
Protein change: p.Glu827Gln; replaces glutamic acid 827 with glutamine.
Molecular consequence: missense variant. On other transcripts: intron variant (1).
Genome position (GRCh38, 1-based): chr18:79,728,968, G>C. VCF-style: chr18-79728968-G-C. GRCh37 (hg19) VCF-style: chr18-77488968-G-C.
Other names: c.2122G>C, p.Glu708Gln (NM_001202504.1); c.2479G>C, p.Glu827Gln (NM_001318511.2); c.2418-7387G>C (NM_048368.4); short protein forms E708Q, E827Q.
Identifiers: ClinVar variation 3270039 (VCV003270039.2).
Genomic context (GRCh38, chr18:79,728,968, plus strand): 5'-GCGGTTCCGCCACCCCAGCCGCAGATGTTTGGTGAAGAGCTGCCTGACGCTCAGGACGGA[G>C]AGCAGCCTGGCCCTTCTAGAAGAAAGCGACAGCCCAGTATGTCTGAGACAATGCCGCTGT-3'
Protein context (NP_004706.3, residues 817-837): GEELPDAQDG[Glu827Gln]QPGPSRRKRQ

ClinVar aggregate classification (germline): Uncertain significance. Review status: criteria provided, single submitter (1 of 4 stars). 2 submissions from 2 submitters: Uncertain significance (1). 1 of the submissions does not count toward it. Last evaluated 2024-03-16.

Conditions:
CTDP1-related disorder. Also called: CTDP1-related condition.

gnomAD v4.1: 30 of 1,614,204 alleles (0.0019%); highest among the groups gnomAD compares: South Asian, 0.03%; no homozygotes.

Submissions (2):

Ambry Genetics
Classification: Uncertain significance. Last evaluated: 2024-03-16. Review status: criteria provided, single submitter. Criteria: Ambry Variant Classification Scheme 2023. Collection method: clinical testing. Allele origin: germline.

PreventionGenetics, part of Exact Sciences
Classification: Uncertain significance for CTDP1-related condition. Last evaluated: 2024-07-25. Review status: no assertion criteria provided. Collection method: clinical testing. Allele origin: germline. Not counted in ClinVar's aggregate classification.
Comment: The CTDP1 c.2479G>C variant is predicted to result in the amino acid substitution p.Glu827Gln. To our knowledge, this variant has not been reported in the literature. This variant is reported in 0.029% of alleles in individuals of South Asian descent in gnomAD. At this time, the clinical significance of this variant is uncertain due to the absence of conclusive functional and genetic evidence.